The following is an entry in ClinVar:

ClinVar aggregate classification (germline): Likely pathogenic (1 of 4 stars; one submission).

Conditions:
Methylmalonic aciduria due to methylmalonyl-CoA mutase deficiency (MAMM). Also called: Methylmalonic aciduria, mut type. Identifiers: Orphanet 27, MedGen C1855114, MONDO:0009612, OMIM 251000.

Submission:

Myriad Genetics, Inc.
Classification: Likely pathogenic for Methylmalonic aciduria due to methylmalonyl-CoA mutase deficiency. Last evaluated: 2019-08-23. Review status: criteria provided, single submitter. Criteria: Myriad Women's Health Autosomal Recessive and X-Linked Classification Criteria (2019). Collection method: clinical testing. Allele origin: unknown.
Comment: NM_000255.3(MUT):c.1761T>A(Y587*) is expected to be pathogenic in the context of MUT-related methylmalonic acidemia. This variant is predicted to lead to an abnormal or absent protein product due to the creation of a premature termination codon in MUT, a gene where loss-of-function variants are known to be pathogenic. Please note: this variant was assessed in the context of healthy population screening.

NM_000255.4(MMUT):c.1761T>A (p.Tyr587Ter)

Gene: MMUT (methylmalonyl-CoA mutase; minus strand). Cytogenetic location: 6p12.3.
Variant type: single nucleotide variant.
Coding change: c.1761T>A on transcript NM_000255.4 (MANE Select); coding-DNA position 1761, T replaced by A.
Protein change: p.Tyr587Ter; replaces tyrosine 587 with a stop codon.
Molecular consequence: nonsense.
Genome position (GRCh38, 1-based): chr6:49,441,887, A>T on the plus strand (T>A on the coding strand, the complement: MMUT is on the minus strand). VCF-style: chr6-49441887-A-T. GRCh37 (hg19) VCF-style: chr6-49409600-A-T.
Other names: short protein forms Y587*.
Identifiers: ClinVar variation 983779 (VCV000983779.3), dbSNP rs1767285621, ClinGen allele CA364395801.